The following is an entry in ClinVar:

ClinVar aggregate classification (germline): Uncertain significance. Review status: criteria provided, multiple submitters, no conflicts (2 of 4 stars). 3 submissions from 3 submitters: Uncertain significance (3). Last evaluated 2025-08-11.

Conditions:
Hereditary cancer-predisposing syndrome. Also called: Hereditary neoplastic syndrome; Tumor predisposition; Neoplastic Syndromes, Hereditary; Hereditary Cancer Syndrome. Identifiers: Orphanet 140162, MedGen C0027672, MeSH D009386, MONDO:0015356.
Tuberous sclerosis 2 (TSC2). Identifiers: Orphanet 805, MedGen C1860707, MONDO:0013199, OMIM 613254.
Tuberous sclerosis syndrome (TSC). Also called: Tuberous Sclerosis Complex; Tuberous sclerosis. Identifiers: Orphanet 805, MedGen C0041341, MONDO:0001734.

Submissions (3):

Color Diagnostics, LLC DBA Color Health
Classification: Uncertain significance for Tuberous sclerosis syndrome. Last evaluated: 2025-08-11. Review status: criteria provided, single submitter. Criteria: ACMG Guidelines, 2015. Collection method: clinical testing. Allele origin: germline.
Comment: This missense variant replaces alanine with aspartic acid at codon 107 of the TSC2 protein. Computational prediction suggests that this variant may have deleterious impact on protein structure and function. To our knowledge, functional studies have not been reported for this variant. This variant has not been reported in individuals affected with TSC2-related disorders in the literature. This variant has not been identified in the general population by the Genome Aggregation Database (gnomAD). The available evidence is insufficient to determine the role of this variant in disease conclusively. Therefore, this variant is classified as a Variant of Uncertain Significance.

Ambry Genetics
Classification: Uncertain significance for Hereditary cancer-predisposing syndrome. Last evaluated: 2022-06-18. Review status: criteria provided, single submitter. Criteria: Ambry Variant Classification Scheme 2023. Collection method: clinical testing. Allele origin: germline.
Comment: The p.A107D variant (also known as c.320C>A), located in coding exon 3 of the TSC2 gene, results from a C to A substitution at nucleotide position 320. The alanine at codon 107 is replaced by aspartic acid, an amino acid with dissimilar properties. This amino acid position is conserved. In addition, this alteration is predicted to be deleterious by in silico analysis. Since supporting evidence is limited at this time, the clinical significance of this alteration remains unclear.

Labcorp Genetics (formerly Invitae), Labcorp
Classification: Uncertain significance for Tuberous sclerosis 2. Last evaluated: 2021-03-29. Review status: criteria provided, single submitter. Criteria: Invitae Variant Classification Sherloc (09022015). Collection method: clinical testing. Allele origin: germline.
Comment: This variant is not present in population databases (ExAC no frequency). This sequence change replaces alanine with aspartic acid at codon 107 of the TSC2 protein (p.Ala107Asp). The alanine residue is moderately conserved and there is a moderate physicochemical difference between alanine and aspartic acid. This variant has not been reported in the literature in individuals with TSC2-related conditions. In summary, the available evidence is currently insufficient to determine the role of this variant in disease. Therefore, it has been classified as a Variant of Uncertain Significance. Algorithms developed to predict the effect of missense changes on protein structure and function are either unavailable or do not agree on the potential impact of this missense change (SIFT: "Tolerated"; PolyPhen-2: "Possibly Damaging"; Align-GVGD: "Class C0").

NM_000548.5(TSC2):c.320C>A (p.Ala107Asp)

Gene: TSC2 (TSC complex subunit 2; plus strand). Cytogenetic location: 16p13.3.
Variant type: single nucleotide variant.
Coding change: c.320C>A on transcript NM_000548.5 (MANE Select); coding-DNA position 320, C replaced by A.
Protein change: p.Ala107Asp; replaces alanine 107 with aspartic acid.
Molecular consequence: missense variant. On other transcripts: intron variant (2).
Genome position (GRCh38, 1-based): chr16:2,053,436, C>A. VCF-style: chr16-2053436-C-A. GRCh37 (hg19) VCF-style: chr16-2103437-C-A.
Other names: c.320C>A, p.Ala107Asp (NM_001077183.3, NM_001114382.3, NM_001363528.2 and 3 more transcripts); c.173C>A, p.Ala58Asp (NM_001318829.2); c.353C>A, p.Ala118Asp (NM_001318832.2); c.226-860C>A (NM_001318827.2); c.-1-2760C>A (NM_001318831.2); short protein forms A107D, A118D, A58D.
Identifiers: ClinVar variation 951599 (VCV000951599.12), dbSNP rs2085374926, ClinGen allele CA394305979.